The following is an entry in ClinVar:

NM_001374385.1(ATP8B1):c.3401-108C>T

Genes: ATP8B1 (ATPase phospholipid transporting 8B1; minus strand), ATP8B1-AS1 (ATP8B1 antisense RNA 1; plus strand). Cytogenetic location: 18q21.31.
Variant type: single nucleotide variant.
Coding change: c.3401-108C>T on transcript NM_001374385.1 (MANE Select); 108 bases into the intron before coding-DNA position 3401, C replaced by T.
Molecular consequence: intron variant.
Genome position (GRCh38, 1-based): chr18:57,650,605, G>A on the plus strand (C>T on the coding strand, the complement: ATP8B1 is on the minus strand). VCF-style: chr18-57650605-G-A. GRCh37 (hg19) VCF-style: chr18-55317837-G-A.
Other names: c.3401-108C>T (NM_005603.6); c.3251-108C>T (NM_001374386.1).
Identifiers: ClinVar variation 1261630 (VCV001261630.4), dbSNP rs11152025, ClinGen allele CA14537475.

ClinVar aggregate classification (germline): Benign. Review status: criteria provided, multiple submitters, no conflicts (2 of 4 stars). 3 submissions from 3 submitters: Benign (3). Last evaluated 2026-04-14.

Conditions:
Familial intrahepatic cholestasis. Identifiers: Orphanet 284385, MedGen CN296401, MONDO:0017290.

Allele frequency attached by ClinVar (database versions not stated): 1000 Genomes Project 0.14696; 1000 Genomes Project 30x 0.14897; TOPMed 0.18928; gnomAD 0.20424 and 0.20480; gnomAD exomes 0.26029.
gnomAD v4.1: 349,705 of 1,380,424 alleles (25%); highest among the groups gnomAD compares: Non-Finnish European, 28%; 46,384 homozygotes.

Submissions (3):

Genomenon, Inc
Classification: Benign for Familial intrahepatic cholestasis. Last evaluated: 2026-04-14. Review status: criteria provided, single submitter. Criteria: Genomenon Sequence Variant Interpretation Standards - Updated. Collection method: curation. Allele origin: germline. Affected: no.
Comment: ATP8B1 c.3401-108C>T is a deep intronic variant located in intron 26. This variant is present at high allele frequency in population databases. In conclusion, we classify ATP8B1 c.3401-108C>T as a benign variant.

GeneDx
Classification: Benign. Last evaluated: 2018-06-29. Review status: criteria provided, single submitter. Criteria: GeneDx Variant Classification Process June 2021. Collection method: clinical testing. Allele origin: germline. Affected: yes.

Breakthrough Genomics
Classification: Benign. Review status: criteria provided, single submitter. Criteria: ACMG Guidelines, 2015. Collection method: not provided. Allele origin: germline. Inheritance: Autosomal recessive inheritance. Affected: yes.